The following is an entry in ClinVar:

ClinVar aggregate classification (germline): Pathogenic. Review status: criteria provided, multiple submitters, no conflicts (2 of 4 stars). 7 submissions from 7 submitters: Pathogenic (7). Last evaluated 2025-10-28.

Conditions:
Tay-Sachs disease (TSD). Also called: HEXA Disorders; HEXA DEFICIENCY; GM2 gangliosidosis, type 1; Hexosaminidase alpha-subunit deficiency (variant B); Sphingolipidosis, Tay-Sachs; Hexosaminidase A Deficiency. Identifiers: Orphanet 845, MedGen C0039373, MONDO:0010100, OMIM 272800.
HEXA-related disorders.

Allele frequency attached by ClinVar (database versions not stated): gnomAD 0.00001; gnomAD exomes 0.00002 and 0.00003; ExAC 0.00004; 1000 Genomes Project 30x 0.00016; 1000 Genomes Project 0.00020.
gnomAD v4.1: 36 of 1,597,534 alleles (0.0023%); highest among the groups gnomAD compares: East Asian, 0.08%; no homozygotes.

Submissions (7):

Myriad Genetics, Inc.
Classification: Pathogenic for Tay-Sachs disease. Last evaluated: 2025-10-28. Review status: criteria provided, single submitter. Criteria: Myriad Autosomal Dominant, Autosomal Recessive and X-Linked Classification Criteria (2023). Collection method: clinical testing. Allele origin: unknown.
Comment: NM_000520.4(HEXA):c.571-1G>T is a variant in a canonical splice site classified as pathogenic in the context of hexosaminidase A deficiency. c.571-1G>T has been observed in cases with relevant disease (PMID: 8484765, 29451896, 33811753, 31242539). Relevant functional assessments of this variant are not available in the literature. c.571-1G>T has been observed in referenced population frequency databases. In summary, NM_000520.4(HEXA):c.571-1G>T is a variant in a canonical splice site that has been observed more frequently in cases with the relevant disease than in healthy populations. Please note: this variant was assessed in the context of healthy population screening.

Natera, Inc.
Classification: Pathogenic for Tay-Sachs disease. Last evaluated: 2025-08-19. Review status: criteria provided, single submitter. Criteria: Natera Variant Classification Schema (03/2026). Collection method: clinical testing. Allele origin: germline.
Comment: The c.571-1G>T variant in HEXA is a canonical splice acceptor site variant predicted to affect pre-mRNA splicing, which may result in an abnormal transcript and altered protein product. This variant is expected to result in nonsense mediated decay, truncation, or a dysfunctional protein product. This variant is rare in the general population with a frequency below the threshold expected for the associated phenotype(s). This variant has been observed in one or more individuals affected with the associated recessive disease, as either homozygous or compound heterozygous with a second variant (PMID: 33811753, 33483101, 8484765, 7837766, 14566483). Functional studies show that this variant may disrupt protein function (PMID: 8484765, 12027830, 14566483). Given the available evidence, this variant is classified as Pathogenic.

Labcorp Genetics (formerly Invitae), Labcorp
Classification: Pathogenic for Tay-Sachs disease. Last evaluated: 2025-06-04. Review status: criteria provided, single submitter. Criteria: Invitae Variant Classification Sherloc (09022015). Collection method: clinical testing. Allele origin: germline.
Comment: This sequence change affects an acceptor splice site in intron 5 of the HEXA gene. RNA analysis indicates that disruption of this splice site induces altered splicing and likely results in a shortened protein product. This variant is present in population databases (rs185429231, gnomAD 0.02%). Disruption of this splice site has been observed in individual(s) with hexosaminidase A deficiency (PMID: 8484765, 12027830). It has also been observed to segregate with disease in related individuals. This variant is also known as Int5-SA(g-1>t). ClinVar contains an entry for this variant (Variation ID: 569012). Studies have shown that disruption of this splice site results in skipping of exon 6, but is expected to preserve the integrity of the reading-frame (PMID: 8484765). For these reasons, this variant has been classified as Pathogenic.

Blueprint Genetics
Classification: Pathogenic for HEXA-related disorders. Last evaluated: 2024-03-27. Review status: criteria provided, single submitter. Criteria: ACMG Guidelines, 2015. Collection method: clinical testing. Allele origin: germline. Affected: yes. Observed: 2 variant alleles.

Revvity Omics, Revvity
Classification: Pathogenic for Tay-Sachs disease. Last evaluated: 2023-05-19. Review status: criteria provided, single submitter. Criteria: ACMG Guidelines, 2015. Collection method: clinical testing. Allele origin: germline.

Genomic Research Center, Shahid Beheshti University of Medical Sciences
Classification: Pathogenic for Tay-Sachs disease. Last evaluated: 2020-05-03. Review status: criteria provided, single submitter. Criteria: ACMG Guidelines, 2015. Collection method: clinical testing. Allele origin: unknown. Affected: yes.

Women's Health and Genetics/Laboratory Corporation of America, LabCorp
Classification: Pathogenic for Tay-Sachs disease. Last evaluated: 2018-06-25. Review status: criteria provided, single submitter. Criteria: LabCorp Variant Classification Summary - May 2015. Collection method: clinical testing. Allele origin: germline.
Comment: Variant summary: HEXA c.571-1G>T is located in a canonical splice-site and is predicted to affect mRNA splicing resulting in a significantly altered protein due to either exon skipping, shortening, or inclusion of intronic material. The variant allele was found at a frequency of 1.2e-05 in 246232 control chromosomes (gnomAD). The variant, c.571-1G>T, has been reported in the literature in multiple individuals affected with Tay-Sachs Disease where it was indicated to be one of the major mutations found in the Japanese population (Tanaka_2003). These data indicate that the variant is very likely to be associated with disease. At least one publication reports experimental evidence evaluating an impact on protein function. The most pronounced variant effect results in <10% of normal activity. No clinical diagnostic laboratories have submitted clinical-significance assessments for this variant to ClinVar after 2014. Based on the evidence outlined above, the variant was classified as pathogenic.

Literature cited by the submitters: PubMed 29451896 (cited by Myriad Genetics, Inc.); PubMed 31242539 (cited by Myriad Genetics, Inc.); PubMed 33811753 (cited by Myriad Genetics, Inc. and Natera, Inc.); PubMed 8484765 (cited by 3 submitters); PubMed 33483101 (cited by Natera, Inc.); PubMed 7837766 (cited by Natera, Inc.); PubMed 14566483 (cited by Natera, Inc. and Women's Health and Genetics/Laboratory Corporation of America, LabCorp); PubMed 12027830 (cited by Natera, Inc. and Labcorp Genetics (formerly Invitae), Labcorp).

NM_000520.6(HEXA):c.571-1G>T

Gene: HEXA (hexosaminidase subunit alpha; minus strand). Cytogenetic location: 15q23.
Variant type: single nucleotide variant.
Coding change: c.571-1G>T on transcript NM_000520.6 (MANE Select); the canonical splice acceptor site of the intron before coding-DNA position 571, G replaced by T.
Molecular consequence: splice acceptor variant.
Genome position (GRCh38, 1-based): chr15:72,351,235, C>A on the plus strand (G>T on the coding strand, the complement: HEXA is on the minus strand). VCF-style: chr15-72351235-C-A. GRCh37 (hg19) VCF-style: chr15-72643576-C-A.
Other names: c.571-1G>T (NM_000520.5); c.604-1G>T (NM_001318825.2).
Identifiers: ClinVar variation 569012 (VCV000569012.25), dbSNP rs185429231, ClinGen allele CA7644953.